The following is an entry in ClinVar:

NM_032656.4(DHX37):c.478GAG[7] (p.Glu167_Glu168del)

Gene: DHX37 (DEAH-box helicase 37; minus strand). Cytogenetic location: 12q24.31.
Variant type: Microsatellite.
Coding change: c.478GAG[7] on transcript NM_032656.4 (MANE Select); seven copies in a row of the 3-base unit GAG starting at c.478; the reference has nine copies in a row; two copies, 6 bases deleted.
Protein change: p.Glu167_Glu168del.
Molecular consequence: inframe deletion.
Genome position (GRCh38, 1-based): chr12:124,980,724-124,980,729, CTCCTC deleted on the plus strand (GAGGAG on the coding strand, the reverse complement: DHX37 is on the minus strand); deleting any 6 consecutive bases within chr12:124,980,724-124,980,750 gives the same sequence; the position shown is the placement nearest the transcript's 3' end. VCF-style (leftmost placement, unchanged base first): chr12-124980723-ACTCCTC-A. GRCh37 (hg19) VCF-style: chr12-125465269-ACTCCTC-A.
Identifiers: ClinVar variation 2045141 (VCV002045141.6), dbSNP rs376470858, ClinGen allele CA6872430.
Genomic context (GRCh38, chr12:124,980,723, plus strand): 5'-CAGCCGGCTCAGCAGCTGGGTCCTCGTCCAGCTCCGACTCCTCCTCCAGCTCCGATTCCG[ACTCCTC>A]CTCCTCCTCCTCCTCCTCCTCAGCTGAGGGCCAGCGGCGACGCTTCCGGTGGGCACCGCT-3'

ClinVar aggregate classification (germline): Conflicting classifications of pathogenicity. Review status: criteria provided, conflicting classifications (1 of 4 stars). 2 submissions from 2 submitters: Uncertain significance (1); Likely benign (1). Last evaluated 2026-04-01.

Submissions (2):

CeGaT Center for Human Genetics Tuebingen
Classification: Likely benign. Last evaluated: 2026-04-01. Review status: criteria provided, single submitter. Criteria: CeGaT Center For Human Genetics Tuebingen Variant Classification Criteria Version 2. Collection method: clinical testing. Allele origin: germline. Affected: yes. Observed: 1 variant allele.
Comment: DHX37: BS1

Labcorp Genetics (formerly Invitae), Labcorp
Classification: Uncertain significance. Last evaluated: 2024-03-20. Review status: criteria provided, single submitter. Criteria: Invitae Variant Classification Sherloc (09022015). Collection method: clinical testing. Allele origin: germline.
Comment: This variant, c.499_504del, results in the deletion of 2 amino acid(s) of the DHX37 protein (p.Glu167_Glu168del), but otherwise preserves the integrity of the reading frame. The frequency data for this variant in the population databases is considered unreliable, as metrics indicate poor data quality at this position in the gnomAD database. This variant has not been reported in the literature in individuals affected with DHX37-related conditions. Experimental studies and prediction algorithms are not available or were not evaluated, and the functional significance of this variant is currently unknown. In summary, the available evidence is currently insufficient to determine the role of this variant in disease. Therefore, it has been classified as a Variant of Uncertain Significance.